The following is an entry in ClinVar:

ClinVar aggregate classification (germline): Likely benign (1 of 4 stars; one submission).

Allele frequency attached by ClinVar (database versions not stated): gnomAD below 0.00001 and 0.00001; gnomAD exomes 0.00002 and 0.00004; TOPMed 0.00002; ExAC 0.00006.
gnomAD v4.1: 34 of 1,613,004 alleles (0.0021%); highest among the groups gnomAD compares: South Asian, 0.036%; no homozygotes.

Submission:

GeneDx
Classification: Likely benign. Last evaluated: 2018-02-22. Review status: criteria provided, single submitter. Criteria: GeneDx Variant Classification (06012015). Collection method: clinical testing. Allele origin: germline. Affected: yes.
Comment: This variant is considered likely benign or benign based on one or more of the following criteria: it is a conservative change, it occurs at a poorly conserved position in the protein, it is predicted to be benign by multiple in silico algorithms, and/or has population frequency not consistent with disease.

NM_001958.5(EEF1A2):c.67A>T (p.Thr23Ser)

Gene: EEF1A2 (eukaryotic translation elongation factor 1 alpha 2; minus strand). Cytogenetic location: 20q13.33.
Variant type: single nucleotide variant.
Coding change: c.67A>T on transcript NM_001958.5 (MANE Select); coding-DNA position 67, A replaced by T.
Protein change: p.Thr23Ser; replaces threonine 23 with serine.
Molecular consequence: missense variant.
Genome position (GRCh38, 1-based): chr20:63,497,697, T>A on the plus strand (A>T on the coding strand, the complement: EEF1A2 is on the minus strand). VCF-style: chr20-63497697-T-A. GRCh37 (hg19) VCF-style: chr20-62129050-T-A.
Other names: short protein forms T23S.
Identifiers: ClinVar variation 515476 (VCV000515476.1), dbSNP rs775423668, ClinGen allele CA9959207.
Genomic context (GRCh38, chr20:63,497,697, plus strand): 5'-CGAACTTCTCAATGGTCCTTTTGTCAATACCTCCGCATTTGTAGATGAGGTGGCCCGTGG[T>A]GGTGGACTTTCCGGAGTCCACGTGGCCGATGACCACGATGTTGATGTGGGTCTTCTCCTT-3'
Protein context (NP_001949.1, residues 13-33): IGHVDSGKST[Thr23Ser]TGHLIYKCGG